The following is an entry in ClinVar:

NM_001199267.2(DGKZ):c.162-932C>A

Gene: DGKZ (diacylglycerol kinase zeta; plus strand). Cytogenetic location: 11p11.2.
Variant type: single nucleotide variant.
Coding change: c.162-932C>A on transcript NM_001199267.2 (MANE Select); 932 bases into the intron before coding-DNA position 162, C replaced by A.
Molecular consequence: intron variant. On other transcripts: missense variant (1).
Genome position (GRCh38, 1-based): chr11:46,366,359, C>A. VCF-style: chr11-46366359-C-A. GRCh37 (hg19) VCF-style: chr11-46387909-C-A.
Other names: c.103C>A, p.Arg35Ser (NM_001105540.2); c.213-932C>A (NM_201532.3); c.177-932C>A (NM_201533.3); c.162-932C>A (NM_001199266.2, NM_003646.4, NM_001199268.2); short protein forms R35S.
Identifiers: ClinVar variation 2082614 (VCV002082614.6), dbSNP rs369668814, ClinGen allele CA5962068.

ClinVar aggregate classification (germline): Uncertain significance. Review status: criteria provided, multiple submitters, no conflicts (2 of 4 stars). 2 submissions from 2 submitters: Uncertain significance (2). Last evaluated 2025-06-30.

Allele frequency attached by ClinVar (database versions not stated): ESP Exome Variant Server 0.00017.
gnomAD v4.1: 250 of 1,528,342 alleles (0.016%); highest among the groups gnomAD compares: Non-Finnish European, 0.021%; no homozygotes.

Submissions (2):

Ambry Genetics
Classification: Uncertain significance. Last evaluated: 2025-06-30. Review status: criteria provided, single submitter. Criteria: Ambry Variant Classification Scheme 2023. Collection method: clinical testing. Allele origin: germline.

Labcorp Genetics (formerly Invitae), Labcorp
Classification: Uncertain significance. Last evaluated: 2022-03-29. Review status: criteria provided, single submitter. Criteria: Invitae Variant Classification Sherloc (09022015). Collection method: clinical testing. Allele origin: germline.
Comment: This sequence change replaces arginine, which is basic and polar, with serine, which is neutral and polar, at codon 35 of the DGKZ protein (p.Arg35Ser). This variant is present in population databases (rs369668814, gnomAD 0.02%). This variant has not been reported in the literature in individuals affected with DGKZ-related conditions. Algorithms developed to predict the effect of missense changes on protein structure and function are either unavailable or do not agree on the potential impact of this missense change (SIFT: "Tolerated"; PolyPhen-2: "Probably Damaging"; Align-GVGD: "Class C0"). In summary, the available evidence is currently insufficient to determine the role of this variant in disease. Therefore, it has been classified as a Variant of Uncertain Significance.